The following is an entry in ClinVar:

NM_000541.5(SAG):c.624C>A (p.His208Gln)

Gene: SAG (S-antigen visual arrestin; plus strand). Cytogenetic location: 2q37.1.
Variant type: single nucleotide variant.
Coding change: c.624C>A on transcript NM_000541.5 (MANE Select); coding-DNA position 624, C replaced by A.
Protein change: p.His208Gln; replaces histidine 208 with glutamine.
Molecular consequence: missense variant.
Genome position (GRCh38, 1-based): chr2:233,328,589, C>A. VCF-style: chr2-233328589-C-A. GRCh37 (hg19) VCF-style: chr2-234237235-C-A.
Other names: c.624C>A (NM_000541.4); short protein forms H208Q.
Identifiers: ClinVar variation 2870539 (VCV002870539.4), dbSNP rs183412440, ClinGen allele CA2174448.
Genomic context (GRCh38, chr2:233,328,589, plus strand): 5'-GGGTCCCCAGCCCCGAGCTGAGGCGGCCTGGCAGTTCTTCATGTCTGACAAGCCCCTGCA[C>A]CTTGCGGTCTCTCTCAACAAAGAGGTAACCACCTACCATCGCTACTACCCGCAGGGCAGC-3'
Protein context (NP_000532.2, residues 198-218): WQFFMSDKPL[His208Gln]LAVSLNKEIY

ClinVar aggregate classification (germline): Conflicting classifications of pathogenicity. Review status: criteria provided, conflicting classifications (1 of 4 stars). 2 submissions from 2 submitters: Uncertain significance (1); Likely benign (1). Last evaluated 2025-11-01.

Conditions:
Inborn genetic diseases. Identifiers: MedGen C0950123, MeSH D030342.

Allele frequency attached by ClinVar (database versions not stated): gnomAD exomes 0.00001; ExAC 0.00003; gnomAD 0.00004; 1000 Genomes Project 0.00020; TOPMed 0.00004; 1000 Genomes Project 30x 0.00062.
gnomAD v4.1: 19 of 1,613,216 alleles (0.0012%); highest among the groups gnomAD compares: East Asian, 0.036%; no homozygotes.

Submissions (2):

Labcorp Genetics (formerly Invitae), Labcorp
Classification: Uncertain significance. Last evaluated: 2025-11-01. Review status: criteria provided, single submitter. Criteria: Invitae Variant Classification Sherloc (09022015). Collection method: clinical testing. Allele origin: germline.
Comment: This sequence change replaces histidine, which is basic and polar, with glutamine, which is neutral and polar, at codon 208 of the SAG protein (p.His208Gln). This variant is present in population databases (rs183412440, gnomAD 0.06%). This variant has not been reported in the literature in individuals affected with SAG-related conditions. ClinVar contains an entry for this variant (Variation ID: 2870539). Invitae Evidence Modeling of protein sequence and biophysical properties (such as structural, functional, and spatial information, amino acid conservation, physicochemical variation, residue mobility, and thermodynamic stability) indicates that this missense variant is not expected to disrupt SAG protein function with a negative predictive value of 80%. In summary, the available evidence is currently insufficient to determine the role of this variant in disease. Therefore, it has been classified as a Variant of Uncertain Significance.

Ambry Genetics
Classification: Likely benign for Inborn genetic diseases. Last evaluated: 2024-03-01. Review status: criteria provided, single submitter. Criteria: Ambry Variant Classification Scheme 2023. Collection method: clinical testing. Allele origin: germline.